The following is an entry in ClinVar:

NM_016169.4(SUFU):c.1273G>A (p.Ala425Thr)

Gene: SUFU (SUFU negative regulator of hedgehog signaling; plus strand). Cytogenetic location: 10q24.32.
Variant type: single nucleotide variant.
Coding change: c.1273G>A on transcript NM_016169.4 (MANE Select); coding-DNA position 1273, G replaced by A.
Protein change: p.Ala425Thr; replaces alanine 425 with threonine.
Molecular consequence: missense variant.
Genome position (GRCh38, 1-based): chr10:102,617,405, G>A. VCF-style: chr10-102617405-G-A. GRCh37 (hg19) VCF-style: chr10-104377162-G-A.
Other names: c.1273G>A, p.Ala425Thr (NM_001178133.2); short protein forms A425T.
Identifiers: ClinVar variation 453958 (VCV000453958.22), dbSNP rs748099523, ClinGen allele CA5667912.
Genomic context (GRCh38, chr10:102,617,405, plus strand): 5'-GCCATCACGTTTGTCTCCACGGGAGTGGAAGGCGCCTTTGCCACTGAGGAGCATCCTTAC[G>A]CGGCTCATGGACCCTGGTTACAAGTGAGAAGGCCCTTTTTCTTCTCCCTCCTTCCTTTCA-3'
Protein context (NP_057253.2, residues 415-435): GAFATEEHPY[Ala425Thr]AHGPWLQILL

ClinVar aggregate classification (germline): Conflicting classifications of pathogenicity. Review status: criteria provided, conflicting classifications (1 of 4 stars). 8 submissions from 8 submitters: Uncertain significance (7); Likely benign (1). Last evaluated 2026-10-01.

Conditions:
SUFU-related disorder. Also called: SUFU-related condition; SUFU-related disorders.
Basal cell nevus syndrome 1 (BCNS1). Also called: GORLIN-GOLTZ SYNDROME; MULTIPLE BASAL CELL NEVI, ODONTOGENIC KERATOCYSTS, AND SKELETAL ANOMALIES. Identifiers: MedGen CN376810, MONDO:0958174, OMIM 109400.
Medulloblastoma (MDB). Also called: MEDULLOBLASTOMA PREDISPOSITION SYNDROME; Medulloblastoma, somatic. Identifiers: Orphanet 616, MedGen C0025149, MeSH D008527, MONDO:0007959, OMIM 155255, HP:0002885.
Gorlin syndrome. Also called: Nevoid Basal Cell Carcinoma Syndrome; Basal cell nevus syndrome. Identifiers: Orphanet 377, MedGen C0004779, MONDO:0007187.
Hereditary cancer-predisposing syndrome. Also called: Hereditary neoplastic syndrome; Tumor predisposition; Neoplastic Syndromes, Hereditary; Hereditary Cancer Syndrome. Identifiers: Orphanet 140162, MedGen C0027672, MeSH D009386, MONDO:0015356.

Allele frequency attached by ClinVar (database versions not stated): ExAC 0.00003; gnomAD exomes 0.00004 and 0.00006; TOPMed 0.00005; gnomAD 0.00006.
gnomAD v4.1: 92 of 1,614,094 alleles (0.0057%); highest among the groups gnomAD compares: Non-Finnish European, 0.0076%; no homozygotes.

Submissions (8):

St. Jude Molecular Pathology, St. Jude Children's Research Hospital
Classification: Uncertain significance for Basal cell nevus syndrome 1. Last evaluated: 2026-10-01. Review status: criteria provided, single submitter. Criteria: St. Jude Assertion Criteria 2020. Collection method: clinical testing. Allele origin: germline.
Comment: The SUFU c.1273G>A p.(Ala425Thr) missense change has a maximum subpopulation frequency of 0.009% in gnomAD v2.1.1. The in silico tool REVEL is i nconclusive about a pathogenic or benign effect of this variant on protein function, and to our knowledge functional studies have not been performed. To our knowledge, this variant has not been reported in individuals with nevoid basal cell carcinoma syn drome. In summary, the evidence currently available is insufficient to determine the clinical significance of this variant. It has therefore been classified as of uncertain significance.

Labcorp Genetics (formerly Invitae), Labcorp
Classification: Uncertain significance for Gorlin syndrome; Medulloblastoma. Last evaluated: 2026-01-19. Review status: criteria provided, single submitter. Criteria: Invitae Variant Classification Sherloc (09022015). Collection method: clinical testing. Allele origin: germline.
Comment: This sequence change replaces alanine, which is neutral and non-polar, with threonine, which is neutral and polar, at codon 425 of the SUFU protein (p.Ala425Thr). This variant is present in population databases (rs748099523, gnomAD 0.009%). This missense change has been observed in individual(s) with breast cancer (PMID: 28050010). ClinVar contains an entry for this variant (Variation ID: 453958). Invitae Evidence Modeling of protein sequence and biophysical properties (such as structural, functional, and spatial information, amino acid conservation, physicochemical variation, residue mobility, and thermodynamic stability) indicates that this missense variant is not expected to disrupt SUFU protein function with a negative predictive value of 80%. In summary, the available evidence is currently insufficient to determine the role of this variant in disease. Therefore, it has been classified as a Variant of Uncertain Significance.

PreventionGenetics, part of Exact Sciences
Classification: Uncertain significance for SUFU-related condition. Last evaluated: 2025-07-30. Review status: criteria provided, single submitter. Criteria: ACMG Guidelines, 2015. Collection method: clinical testing. Allele origin: germline.
Comment: The SUFU c.1273G>A variant is predicted to result in the amino acid substitution p.Ala425Thr. This variant has been reported in an individual with breast cancer (Table S6, Feliubadaló et al. 2017. PubMed ID: 28050010). This variant is reported in 0.0093% of alleles in individuals of European (non-Finnish) descent in gnomAD and it has classifications ranging from uncertain to likely benign in ClinVar (Variation ID: 453958). At this time, the clinical significance of this variant is uncertain due to the absence of conclusive functional and genetic evidence.

Quest Diagnostics Nichols Institute San Juan Capistrano
Classification: Uncertain significance. Last evaluated: 2024-09-29. Review status: criteria provided, single submitter. Criteria: Quest Diagnostics criteria. Collection method: clinical testing. Allele origin: unknown.
Comment: The SUFU c.1273G>A (p.Ala425Thr) variant has been reported in the published literature in families with hereditary breast and ovarian cancer syndrome, including one family that also carried a pathogenic BARD1 variant (PMID: 28050010 (2017), 27153395 (2016)). To the best of our knowledge, this variant has not been reported in individuals with SUFU-related disorders. The frequency of this variant in the general population, 0.000093 (12/129200 chromosomes in European (Non-Finnish) subpopulation (Genome Aggregation Database)), is higher than would generally be expected for pathogenic variants in this gene. Analysis of this variant using bioinformatics tools for the prediction of the effect of amino acid changes on protein structure and function yielded predictions that this variant is damaging. Based on the available information, we are unable to determine the clinical significance of this variant.

Blueprint Genetics
Classification: Uncertain significance. Last evaluated: 2024-09-16. Review status: criteria provided, single submitter. Criteria: ACMG Guidelines, 2015. Collection method: clinical testing. Allele origin: germline.

GeneDx
Classification: Uncertain significance. Last evaluated: 2024-08-20. Review status: criteria provided, single submitter. Criteria: GeneDx Variant Classification Process June 2021. Collection method: clinical testing. Allele origin: germline.
Comment: In silico analysis supports that this missense variant does not alter protein structure/function; Observed in an individual with breast cancer who also harbored a pathogenic variant in the BARD1 gene in the published literature (PMID: 28050010); This variant is associated with the following publications: (PMID: 12426310, 28050010)

Revvity Omics, Revvity
Classification: Uncertain significance. Last evaluated: 2024-03-27. Review status: criteria provided, single submitter. Criteria: ACMG Guidelines, 2015. Collection method: clinical testing. Allele origin: germline.

Ambry Genetics
Classification: Likely benign for Hereditary cancer-predisposing syndrome. Last evaluated: 2023-05-11. Review status: criteria provided, single submitter. Criteria: Ambry Variant Classification Scheme 2023. Collection method: clinical testing. Allele origin: germline.

Literature cited by the submitters: PubMed 28050010 (cited by 3 submitters); PubMed 27153395 (cited by Quest Diagnostics Nichols Institute San Juan Capistrano).